The following is an entry in ClinVar:

ClinVar aggregate classification (germline): Likely pathogenic (1 of 4 stars; one submission).

Conditions:
Hypertrophic cardiomyopathy. Also called: HYPERTROPHIC MYOCARDIOPATHY. Identifiers: Orphanet 217569, MedGen C0007194, MeSH D002312, MONDO:0005045, HP:0001639.

Allele frequency attached by ClinVar (database versions not stated): gnomAD exomes below 0.00001.

Submission:

Labcorp Genetics (formerly Invitae), Labcorp
Classification: Likely pathogenic for Hypertrophic cardiomyopathy. Last evaluated: 2023-04-24. Review status: criteria provided, single submitter. Criteria: Invitae Variant Classification Sherloc (09022015). Collection method: clinical testing. Allele origin: germline.
Comment: Advanced modeling of protein sequence and biophysical properties (such as structural, functional, and spatial information, amino acid conservation, physicochemical variation, residue mobility, and thermodynamic stability) performed at Invitae indicates that this missense variant is expected to disrupt MYH7 protein function. ClinVar contains an entry for this variant (Variation ID: 2137559). This missense change has been observed in individuals with dilated cardiomyopathy and/or noncompaction cardiomyopathy (PMID: 19293840, 23349452, 29447731). This variant is not present in population databases (gnomAD no frequency). This sequence change replaces leucine, which is neutral and non-polar, with proline, which is neutral and non-polar, at codon 1038 of the MYH7 protein (p.Leu1038Pro). In summary, the currently available evidence indicates that the variant is pathogenic, but additional data are needed to prove that conclusively. Therefore, this variant has been classified as Likely Pathogenic.

Literature cited by the submitters: PubMed 19293840; PubMed 23349452; PubMed 29447731.

NM_000257.4(MYH7):c.3113T>C (p.Leu1038Pro)

Gene: MYH7 (myosin heavy chain 7; minus strand). Cytogenetic location: 14q11.2.
Variant type: single nucleotide variant.
Coding change: c.3113T>C on transcript NM_000257.4 (MANE Select); coding-DNA position 3113, T replaced by C.
Protein change: p.Leu1038Pro; replaces leucine 1038 with proline.
Molecular consequence: missense variant.
Genome position (GRCh38, 1-based): chr14:23,422,312, A>G on the plus strand (T>C on the coding strand, the complement: MYH7 is on the minus strand). VCF-style: chr14-23422312-A-G. GRCh37 (hg19) VCF-style: chr14-23891521-A-G.
Other names: c.3113T>C, p.Leu1038Pro (NM_001407004.1); short protein forms L1038P.
Identifiers: ClinVar variation 2137559 (VCV002137559.4), dbSNP rs551897533, ClinGen allele CA257817954.